The following is an entry in ClinVar:

NM_001352514.2(HLCS):c.2215G>A (p.Glu739Lys)

Gene: HLCS (holocarboxylase synthetase; minus strand). Cytogenetic location: 21q22.13.
Variant type: single nucleotide variant.
Coding change: c.2215G>A on transcript NM_001352514.2 (MANE Select); coding-DNA position 2215, G replaced by A.
Protein change: p.Glu739Lys; replaces glutamic acid 739 with lysine.
Molecular consequence: missense variant. On other transcripts: non-coding transcript variant (2).
Genome position (GRCh38, 1-based): chr21:36,759,748, C>T on the plus strand (G>A on the coding strand, the complement: HLCS is on the minus strand). VCF-style: chr21-36759748-C-T. GRCh37 (hg19) VCF-style: chr21-38132049-C-T.
Other names: c.1774G>A, p.Glu592Lys (NM_000411.8, NM_001242784.3, NM_001242785.2 and 4 more transcripts); short protein forms E739K, E592K.
Identifiers: ClinVar variation 1985213 (VCV001985213.2), dbSNP rs543256742, ClinGen allele CA10020333.
Genomic context (GRCh38, chr21:36,759,748, plus strand): 5'-TAATCTAAAAATGCTGGGGGAAAGGTTTTTGAAACTTACCAATAAGTATATAAAATGTTT[C>T]TCCCATGAGTGTTGAGTTAACCAGAACTCCGCCGATCTTCATGAGGTCACTGTAATAAAT-3'
Protein context (NP_001339443.1, residues 729-749): GVLVNSTLMG[Glu739Lys]TFYILIGCGF

ClinVar aggregate classification (germline): Uncertain significance. Review status: criteria provided, multiple submitters, no conflicts (2 of 4 stars). 2 submissions from 2 submitters: Uncertain significance (2). Last evaluated 2022-11-08.

Conditions:
Inborn genetic diseases. Identifiers: MedGen C0950123, MeSH D030342.
Holocarboxylase synthetase deficiency. Also called: MULTIPLE CARBOXYLASE DEFICIENCY, EARLY ONSET. Identifiers: Orphanet 79242, MedGen C0268581, MONDO:0009666, OMIM 253270.

Allele frequency attached by ClinVar (database versions not stated): ExAC 0.00001; gnomAD exomes 0.00001; TOPMed 0.00001; gnomAD 0.00002; 1000 Genomes Project 30x 0.00016; 1000 Genomes Project 0.00020.
gnomAD v4.1: 15 of 1,602,602 alleles (0.00094%); highest among the groups gnomAD compares: Admixed American, 0.0017%; no homozygotes.

Submissions (2):

Ambry Genetics
Classification: Uncertain significance for Inborn genetic diseases. Last evaluated: 2022-11-08. Review status: criteria provided, single submitter. Criteria: Ambry Variant Classification Scheme 2023. Collection method: clinical testing. Allele origin: germline.

Labcorp Genetics (formerly Invitae), Labcorp
Classification: Uncertain significance for Holocarboxylase synthetase deficiency. Last evaluated: 2022-06-27. Review status: criteria provided, single submitter. Criteria: Invitae Variant Classification Sherloc (09022015). Collection method: clinical testing. Allele origin: germline.
Comment: This sequence change replaces glutamic acid, which is acidic and polar, with lysine, which is basic and polar, at codon 592 of the HLCS protein (p.Glu592Lys). This variant is present in population databases (rs543256742, gnomAD 0.004%). This variant has not been reported in the literature in individuals affected with HLCS-related conditions. Advanced modeling of protein sequence and biophysical properties (such as structural, functional, and spatial information, amino acid conservation, physicochemical variation, residue mobility, and thermodynamic stability) performed at Invitae indicates that this missense variant is not expected to disrupt HLCS protein function. In summary, the available evidence is currently insufficient to determine the role of this variant in disease. Therefore, it has been classified as a Variant of Uncertain Significance.